The following is an entry in ClinVar:

NM_001042492.3(NF1):c.7531_7532del (p.Val2511fs)

Gene: NF1 (neurofibromin 1; plus strand). Cytogenetic location: 17q11.2.
Variant type: Deletion.
Coding change: c.7531_7532del on transcript NM_001042492.3 (MANE Select); coding-DNA positions 7531 to 7532, 2 bases deleted (GT; older notation c.7531_7532delGT).
Protein change: p.Val2511fs; shifts the reading frame from valine 2511.
Molecular consequence: frameshift variant.
Genome position (GRCh38, 1-based): chr17:31,352,330-31,352,331, GT deleted; deleting any 2 consecutive bases within chr17:31,352,329-31,352,331 gives the same sequence; the c. name uses the placement nearest the transcript's 3' end. VCF-style (leftmost placement, unchanged base first): chr17-31352328-CTG-C. GRCh37 (hg19) VCF-style: chr17-29679346-CTG-C.
Other names: c.7468_7469delGT, p.Val2490Argfs (NM_000267.4); short protein forms V2490fs, V2511fs.
Identifiers: ClinVar variation 856137 (VCV000856137.7), dbSNP rs2070169785, ClinGen allele CA916080674.

ClinVar aggregate classification (germline): Pathogenic (1 of 4 stars; one submission).

Conditions:
Neurofibromatosis, type 1 (NF1). Also called: Neurofibromatosis, type I; VON RECKLINGHAUSEN DISEASE; Peripheral type neurofibromatosis; NEUROFIBROMATOSIS, TYPE I, SOMATIC. Identifiers: Orphanet 636, MedGen C0027831, MONDO:0018975, OMIM 162200. Disease mechanism: loss of function.

Submission:

Labcorp Genetics (formerly Invitae), Labcorp
Classification: Pathogenic for Neurofibromatosis, type 1. Last evaluated: 2019-12-19. Review status: criteria provided, single submitter. Criteria: Invitae Variant Classification Sherloc (09022015). Collection method: clinical testing. Allele origin: germline.
Comment: For these reasons, this variant has been classified as Pathogenic. Loss-of-function variants in NF1 are known to be pathogenic (PMID: 10712197, 23913538). This variant has not been reported in the literature in individuals with NF1-related conditions. This variant is not present in population databases (ExAC no frequency). This sequence change creates a premature translational stop signal (p.Val2490Argfs*24) in the NF1 gene. It is expected to result in an absent or disrupted protein product.

Literature cited by the submitters: PubMed 10712197; PubMed 23913538.